The following is an entry in ClinVar:

ClinVar aggregate classification (germline): Uncertain significance (1 of 4 stars; one submission).

Conditions:
SLC37A4-related disorder. Also called: SLC37A4-related condition.

Allele frequency attached by ClinVar (database versions not stated): gnomAD exomes below 0.00001; ExAC 0.00003; TOPMed 0.00004; gnomAD 0.00005.

Submission:

PreventionGenetics, part of Exact Sciences
Classification: Uncertain significance for SLC37A4-related condition. Last evaluated: 2023-06-23. Review status: criteria provided, single submitter. Criteria: ACMG Guidelines, 2015. Collection method: clinical testing. Allele origin: germline.
Comment: The SLC37A4 c.1235T>C variant is predicted to result in the amino acid substitution p.Phe412Ser. To our knowledge, this variant has not been reported in the literature. This variant is reported in 0.029% of alleles in individuals of African descent in gnomAD. At this time, the clinical significance of this variant is uncertain due to the absence of conclusive functional and genetic evidence.

NM_001164277.2(SLC37A4):c.1235T>C (p.Phe412Ser)

Gene: SLC37A4 (solute carrier family 37 member 4; minus strand). Cytogenetic location: 11q23.3.
Variant type: single nucleotide variant.
Coding change: c.1235T>C on transcript NM_001164277.2 (MANE Select); coding-DNA position 1235, T replaced by C.
Protein change: p.Phe412Ser; replaces phenylalanine 412 with serine.
Molecular consequence: missense variant.
Genome position (GRCh38, 1-based): chr11:119,024,965, A>G on the plus strand (T>C on the coding strand, the complement: SLC37A4 is on the minus strand). VCF-style: chr11-119024965-A-G. GRCh37 (hg19) VCF-style: chr11-118895675-A-G.
Other names: c.1301T>C, p.Phe434Ser (NM_001164278.2); c.1016T>C, p.Phe339Ser (NM_001164279.2); c.1235T>C, p.Phe412Ser (NM_001164280.2, NM_001467.6); short protein forms F339S, F412S, F434S.
Identifiers: ClinVar variation 2635013 (VCV002635013.1), dbSNP rs781922056, ClinGen allele CA6311592.